The following is an entry in ClinVar:

NM_020435.4(GJC2):c.1013G>T (p.Arg338Leu)

Gene: GJC2 (gap junction protein gamma 2; plus strand). Cytogenetic location: 1q42.13.
Variant type: single nucleotide variant.
Coding change: c.1013G>T on transcript NM_020435.4 (MANE Select); coding-DNA position 1013, G replaced by T.
Protein change: p.Arg338Leu; replaces arginine 338 with leucine.
Molecular consequence: missense variant.
Genome position (GRCh38, 1-based): chr1:228,158,771, G>T. VCF-style: chr1-228158771-G-T. GRCh37 (hg19) VCF-style: chr1-228346472-G-T.
Other names: short protein forms R338L.
Identifiers: ClinVar variation 2964274 (VCV002964274.3), dbSNP rs1011652150, ClinGen allele CA345100372.

ClinVar aggregate classification (germline): Uncertain significance (1 of 4 stars; one submission).

Conditions:
Spastic paraplegia. Identifiers: MedGen C0037772, HP:0001258.

gnomAD v4.1: 2 of 1,403,024 alleles (0.00014%); highest among the groups gnomAD compares: Non-Finnish European, 0.00019%; no homozygotes.

Submission:

Labcorp Genetics (formerly Invitae), Labcorp
Classification: Uncertain significance for Spastic paraplegia. Last evaluated: 2023-08-04. Review status: criteria provided, single submitter. Criteria: Invitae Variant Classification Sherloc (09022015). Collection method: clinical testing. Allele origin: germline.
Comment: This sequence change replaces arginine, which is basic and polar, with leucine, which is neutral and non-polar, at codon 338 of the GJC2 protein (p.Arg338Leu). This variant is not present in population databases (gnomAD no frequency). This variant has not been reported in the literature in individuals affected with GJC2-related conditions. Advanced modeling of protein sequence and biophysical properties (such as structural, functional, and spatial information, amino acid conservation, physicochemical variation, residue mobility, and thermodynamic stability) has been performed at Invitae for this missense variant, however the output from this modeling did not meet the statistical confidence thresholds required to predict the impact of this variant on GJC2 protein function. In summary, the available evidence is currently insufficient to determine the role of this variant in disease. Therefore, it has been classified as a Variant of Uncertain Significance.